The following is an entry in ClinVar:

NM_002439.5(MSH3):c.3133G>A (p.Ala1045Thr)

Gene: MSH3 (mutS homolog 3; plus strand). Cytogenetic location: 5q14.1.
Variant type: single nucleotide variant.
Coding change: c.3133G>A on transcript NM_002439.5 (MANE Select); coding-DNA position 3133, G replaced by A.
Protein change: p.Ala1045Thr; replaces alanine 1045 with threonine.
Molecular consequence: missense variant.
Genome position (GRCh38, 1-based): chr5:80,873,118, G>A. VCF-style: chr5-80873118-G-A. GRCh37 (hg19) VCF-style: chr5-80168937-G-A.
Other names: p.Ala1045Thr; short protein forms A1045T.
Identifiers: ClinVar variation 822964 (VCV000822964.32), dbSNP rs26279, ClinGen allele CA3328468.

ClinVar aggregate classification (germline): Benign. Review status: criteria provided, multiple submitters, no conflicts (2 of 4 stars). 8 submissions from 8 submitters: Benign (8). Last evaluated 2026-02-04.

Conditions:
Hereditary cancer-predisposing syndrome. Also called: Neoplastic Syndromes, Hereditary; Tumor predisposition; Hereditary Cancer Syndrome; Hereditary neoplastic syndrome. Identifiers: Orphanet 140162, MedGen C0027672, MeSH D009386, MONDO:0015356.

Allele frequency attached by ClinVar (database versions not stated): ESP Exome Variant Server 0.69468; TOPMed 0.69986; gnomAD 0.70269 and 0.70552; gnomAD exomes 0.71887 and 0.72941; 1000 Genomes Project 30x 0.72017; 1000 Genomes Project 0.72025; ExAC 0.73046.
gnomAD v4.1: 1,155,132 of 1,610,178 alleles (72%); highest among the groups gnomAD compares: South Asian, 80%; 415,407 homozygotes.

Submissions (8):

Labcorp Genetics (formerly Invitae), Labcorp
Classification: Benign. Last evaluated: 2026-02-04. Review status: criteria provided, single submitter. Criteria: Invitae Variant Classification Sherloc (09022015). Collection method: clinical testing. Allele origin: germline.

ARUP Laboratories, Molecular Genetics and Genomics, ARUP Laboratories
Classification: Benign. Last evaluated: 2025-07-30. Review status: criteria provided, single submitter. Criteria: ARUP Molecular Germline Variant Investigation Process 2024. Collection method: clinical testing. Allele origin: germline.

GeneKor MSA
Classification: Benign for Hereditary cancer-predisposing syndrome. Last evaluated: 2025-07-10. Review status: criteria provided, single submitter. Criteria: ACMG Guidelines, 2015. Collection method: clinical testing. Allele origin: germline.

Blueprint Genetics
Classification: Benign. Last evaluated: 2024-11-26. Review status: criteria provided, single submitter. Criteria: ACMG Guidelines, 2015. Collection method: clinical testing. Allele origin: germline.

Mayo Clinic Laboratories, Mayo Clinic
Classification: Benign. Last evaluated: 2021-12-17. Review status: criteria provided, single submitter. Criteria: ACMG Guidelines, 2015. Collection method: clinical testing. Allele origin: germline. Observed: 607 variant alleles.
Comment: BA1

Sema4
Classification: Benign for Hereditary cancer-predisposing syndrome. Last evaluated: 2021-02-27. Review status: criteria provided, single submitter. Criteria: Sema4 Curation Guidelines. Collection method: curation. Allele origin: germline.

Ambry Genetics
Classification: Benign for Hereditary cancer-predisposing syndrome. Last evaluated: 2018-09-10. Review status: criteria provided, single submitter. Criteria: Ambry Variant Classification Scheme 2023. Collection method: clinical testing. Allele origin: germline.

GeneDx
Classification: Benign. Last evaluated: 2018-06-22. Review status: criteria provided, single submitter. Criteria: GeneDx Variant Classification Process June 2021. Collection method: clinical testing. Allele origin: germline. Affected: yes.
Comment: This variant is associated with the following publications: (PMID: 25966119, 17205513, 20708344)